The following is an entry in ClinVar:

NM_207034.3(EDN3):c.467A>G (p.His156Arg)

Gene: EDN3 (endothelin 3; plus strand). Cytogenetic location: 20q13.32.
Variant type: single nucleotide variant.
Coding change: c.467A>G on transcript NM_207034.3 (MANE Select); coding-DNA position 467, A replaced by G.
Protein change: p.His156Arg; replaces histidine 156 with arginine.
Molecular consequence: missense variant.
Genome position (GRCh38, 1-based): chr20:59,321,118, A>G. VCF-style: chr20-59321118-A-G. GRCh37 (hg19) VCF-style: chr20-57896173-A-G.
Other names: c.467A>G, p.His156Arg (NM_001302455.2, NM_001302456.2, NM_207032.3 and 1 more transcripts); short protein forms H156R.
Identifiers: ClinVar variation 2066081 (VCV002066081.4), dbSNP rs1368364460, ClinGen allele CA409708455.
Genomic context (GRCh38, chr20:59,321,118, plus strand): 5'-TCCGGGGCAAGAGGTCTGCGGGGCCACTTCCAGGGAATCTGCAGCTCTCACATCGGCCAC[A>G]CTTGCGCTGCGCTTGTGTGGGGAGATATGACAAGGCCTGCCTGCACTTTTGCACCCAAAC-3'
Protein context (NP_996917.1, residues 146-166): PGNLQLSHRP[His156Arg]LRCACVGRYD

ClinVar aggregate classification (germline): Uncertain significance (1 of 4 stars; one submission).

gnomAD v4.1: 3 of 1,614,202 alleles (0.00019%); highest among the groups gnomAD compares: East Asian, 0.0022%; no homozygotes.

Submission:

Labcorp Genetics (formerly Invitae), Labcorp
Classification: Uncertain significance. Last evaluated: 2022-11-07. Review status: criteria provided, single submitter. Criteria: Invitae Variant Classification Sherloc (09022015). Collection method: clinical testing. Allele origin: germline.
Comment: In summary, the available evidence is currently insufficient to determine the role of this variant in disease. Therefore, it has been classified as a Variant of Uncertain Significance. Algorithms developed to predict the effect of missense changes on protein structure and function output the following: SIFT: "Tolerated"; PolyPhen-2: "Benign"; Align-GVGD: "Class C0". The arginine amino acid residue is found in multiple mammalian species, which suggests that this missense change does not adversely affect protein function. This variant has not been reported in the literature in individuals affected with EDN3-related conditions. This variant is present in population databases (no rsID available, gnomAD 0.006%). This sequence change replaces histidine, which is basic and polar, with arginine, which is basic and polar, at codon 156 of the EDN3 protein (p.His156Arg).